The following is an entry in ClinVar:

NM_004360.5(CDH1):c.576C>A (p.Ile192=)

Gene: CDH1 (cadherin 1; plus strand). Cytogenetic location: 16q22.1.
Variant type: single nucleotide variant.
Coding change: c.576C>A on transcript NM_004360.5 (MANE Select); coding-DNA position 576, C replaced by A.
Protein change: p.Ile192=; no amino-acid change (isoleucine 192 retained).
Molecular consequence: synonymous variant. On other transcripts: 5 prime UTR variant (2).
Genome position (GRCh38, 1-based): chr16:68,808,737, C>A. VCF-style: chr16-68808737-C-A. GRCh37 (hg19) VCF-style: chr16-68842640-C-A.
Other names: c.576C>A, p.Ile192= (NM_001317184.2); c.-1040C>A (NM_001317185.2); c.-1244C>A (NM_001317186.2).
Identifiers: ClinVar variation 2907493 (VCV002907493.5), dbSNP rs2152130125, ClinGen allele CA496392362.

ClinVar aggregate classification (germline): Benign/Likely benign. Review status: criteria provided, multiple submitters, no conflicts (2 of 4 stars). 3 submissions from 3 submitters: Benign (1); Likely benign (2). Last evaluated 2024-09-13.

Conditions:
Hereditary cancer-predisposing syndrome. Also called: Hereditary Cancer Syndrome; Tumor predisposition; Neoplastic Syndromes, Hereditary; Hereditary neoplastic syndrome. Identifiers: Orphanet 140162, MedGen C0027672, MeSH D009386, MONDO:0015356.
Hereditary diffuse gastric adenocarcinoma (HDGC). Also called: DIFFUSE GASTRIC AND LOBULAR BREAST CANCER SYNDROME. Identifiers: Orphanet 26106, MedGen C1708349, MONDO:0007648, OMIM 137215.

Submissions (3):

Myriad Genetics, Inc.
Classification: Benign for Hereditary diffuse gastric adenocarcinoma. Last evaluated: 2024-09-13. Review status: criteria provided, single submitter. Criteria: Myriad Autosomal Dominant, Autosomal Recessive and X-Linked Classification Criteria (2023). Collection method: clinical testing. Allele origin: unknown.
Comment: This variant is considered benign. This variant is a silent/synonymous amino acid change and it is not expected to impact splicing.

Labcorp Genetics (formerly Invitae), Labcorp
Classification: Likely benign for Hereditary diffuse gastric adenocarcinoma. Last evaluated: 2024-01-25. Review status: criteria provided, single submitter. Criteria: Invitae Variant Classification Sherloc (09022015). Collection method: clinical testing. Allele origin: germline.

Ambry Genetics
Classification: Likely benign for Hereditary cancer-predisposing syndrome. Last evaluated: 2023-11-24. Review status: criteria provided, single submitter. Criteria: Ambry Variant Classification Scheme 2023. Collection method: clinical testing. Allele origin: germline.